The following is an entry in ClinVar:

ClinVar aggregate classification (germline): Conflicting classifications of pathogenicity. Review status: criteria provided, conflicting classifications (1 of 4 stars). 4 submissions from 4 submitters: Uncertain significance (3); Likely benign (1). Last evaluated 2026-01-10.

Conditions:
CENPF-related disorder. Also called: CENPF-related condition.
Inborn genetic diseases. Identifiers: MedGen C0950123, MeSH D030342.

Allele frequency attached by ClinVar (database versions not stated): gnomAD exomes 0.00007 and 0.00008; ExAC 0.00008; gnomAD 0.00009 and 0.00010; TOPMed 0.00010.
gnomAD v4.1: 125 of 1,614,048 alleles (0.0077%); highest among the groups gnomAD compares: Admixed American, 0.018%; no homozygotes.

Submissions (4):

PreventionGenetics, part of Exact Sciences
Classification: Uncertain significance for CENPF-related condition. Last evaluated: 2026-01-10. Review status: criteria provided, single submitter. Criteria: ACMG Guidelines, 2015. Collection method: clinical testing. Allele origin: germline.
Comment: The CENPF c.6025G>C variant is predicted to result in the amino acid substitution p.Val2009Leu. To our knowledge, this variant has not been reported in the literature. This variant is reported in 0.014% of alleles in individuals of Latino descent in gnomAD. At this time, the clinical significance of this variant is uncertain due to the absence of conclusive functional and genetic evidence.

Ambry Genetics
Classification: Uncertain significance for Inborn genetic diseases. Last evaluated: 2025-04-11. Review status: criteria provided, single submitter. Criteria: Ambry Variant Classification Scheme 2023. Collection method: clinical testing. Allele origin: germline.

Labcorp Genetics (formerly Invitae), Labcorp
Classification: Uncertain significance. Last evaluated: 2024-12-03. Review status: criteria provided, single submitter. Criteria: Invitae Variant Classification Sherloc (09022015). Collection method: clinical testing. Allele origin: germline.
Comment: This sequence change replaces valine, which is neutral and non-polar, with leucine, which is neutral and non-polar, at codon 2009 of the CENPF protein (p.Val2009Leu). This variant is present in population databases (rs778135960, gnomAD 0.01%). This variant has not been reported in the literature in individuals affected with CENPF-related conditions. ClinVar contains an entry for this variant (Variation ID: 1514146). An algorithm developed to predict the effect of missense changes on protein structure and function outputs the following: PolyPhen-2: "Benign". The leucine amino acid residue is found in multiple mammalian species, which suggests that this missense change does not adversely affect protein function. In summary, the available evidence is currently insufficient to determine the role of this variant in disease. Therefore, it has been classified as a Variant of Uncertain Significance.

Blueprint Genetics
Classification: Likely benign. Last evaluated: 2024-10-24. Review status: criteria provided, single submitter. Criteria: ACMG Guidelines, 2015. Collection method: clinical testing. Allele origin: germline.

NM_016343.4(CENPF):c.6025G>C (p.Val2009Leu)

Gene: CENPF (centromere protein F; plus strand). Cytogenetic location: 1q41.
Variant type: single nucleotide variant.
Coding change: c.6025G>C on transcript NM_016343.4 (MANE Select); coding-DNA position 6025, G replaced by C.
Protein change: p.Val2009Leu; replaces valine 2009 with leucine.
Molecular consequence: missense variant.
Genome position (GRCh38, 1-based): chr1:214,645,595, G>C. VCF-style: chr1-214645595-G-C. GRCh37 (hg19) VCF-style: chr1-214818938-G-C.
Other names: c.6025G>C (NM_016343.3); short protein forms V2009L.
Identifiers: ClinVar variation 1514146 (VCV001514146.11), dbSNP rs778135960, ClinGen allele CA1390894.
Genomic context (GRCh38, chr1:214,645,595, plus strand): 5'-CAAGAGCTTGAGTCTCATCAAAGTGAGTGTCTCCATTGCATTCAGGTGGCAGAGGCAGAG[G>C]TGAAGGAAAAGACGGAACTCCTTCAGACTTTGTCCTCTGATGTGAGTGAGCTGTTAAAAG-3'
Protein context (NP_057427.3, residues 1999-2019): LHCIQVAEAE[Val2009Leu]KEKTELLQTL